The following is an entry in ClinVar:

ClinVar aggregate classification (germline): Uncertain significance. Review status: criteria provided, multiple submitters, no conflicts (2 of 4 stars). 3 submissions from 3 submitters: Uncertain significance (3). Last evaluated 2024-03-27.

Conditions:
Hereditary cancer-predisposing syndrome. Also called: Neoplastic Syndromes, Hereditary; Tumor predisposition; Hereditary Cancer Syndrome; Hereditary neoplastic syndrome. Identifiers: Orphanet 140162, MedGen C0027672, MeSH D009386, MONDO:0015356.

Submissions (3):

Ambry Genetics
Classification: Uncertain significance for Hereditary cancer-predisposing syndrome. Last evaluated: 2024-03-27. Review status: criteria provided, single submitter. Criteria: Ambry Variant Classification Scheme 2023. Collection method: clinical testing. Allele origin: germline.
Comment: The p.V531A variant (also known as c.1592T>C), located in coding exon 7 of the BARD1 gene, results from a T to C substitution at nucleotide position 1592. The valine at codon 531 is replaced by alanine, an amino acid with similar properties. This amino acid position is conserved. In addition, the in silico prediction for this alteration is inconclusive. Based on the available evidence, the clinical significance of this alteration remains unclear.

Color Diagnostics, LLC DBA Color Health
Classification: Uncertain significance for Hereditary cancer-predisposing syndrome. Last evaluated: 2023-12-05. Review status: criteria provided, single submitter. Criteria: ACMG Guidelines, 2015. Collection method: clinical testing. Allele origin: germline.
Comment: This missense variant replaces valine with alanine at codon 531 of the BARD1 protein. Computational prediction tools and conservation analyses are inconclusive regarding the impact of this variant on the protein function. Computational splicing tools suggest that this variant may not impact RNA splicing. To our knowledge, functional assays have not been performed for this variant nor has this variant been reported in individuals affected with hereditary cancer in the literature. This variant has not been identified in the general population by the Genome Aggregation Database (gnomAD). Available evidence is insufficient to determine the role of this variant in disease conclusively. Therefore, this variant is classified as a Variant of Uncertain Significance.

GeneDx
Classification: Uncertain significance. Last evaluated: 2019-11-19. Review status: criteria provided, single submitter. Criteria: GeneDx Variant Classification Process June 2021. Collection method: clinical testing. Allele origin: germline. Affected: yes.
Comment: Not observed in large population cohorts (Lek 2016); In silico analysis, which includes protein predictors and evolutionary conservation, supports that this variant does not alter protein structure/function; Has not been previously published as pathogenic or benign to our knowledge

NM_000465.4(BARD1):c.1592T>C (p.Val531Ala)

Gene: BARD1 (BRCA1 associated RING domain 1; minus strand). Cytogenetic location: 2q35.
Variant type: single nucleotide variant.
Coding change: c.1592T>C on transcript NM_000465.4 (MANE Select); coding-DNA position 1592, T replaced by C.
Protein change: p.Val531Ala; replaces valine 531 with alanine.
Molecular consequence: missense variant. On other transcripts: non-coding transcript variant (3), intron variant (1).
Genome position (GRCh38, 1-based): chr2:214,752,532, A>G on the plus strand (T>C on the coding strand, the complement: BARD1 is on the minus strand). VCF-style: chr2-214752532-A-G. GRCh37 (hg19) VCF-style: chr2-215617256-A-G.
Other names: c.182T>C, p.Val61Ala (NM_001282548.2); c.365-22024T>C (NM_001282549.2); c.1535T>C, p.Val512Ala (NM_001282543.2); c.239T>C, p.Val80Ala (NM_001282545.2); c.1592T>C (NM_000465.2); short protein forms V512A, V80A, V531A, V61A.
Identifiers: ClinVar variation 919361 (VCV000919361.8), dbSNP rs1693506947, ClinGen allele CA350454987.